The following is an entry in ClinVar:

ClinVar aggregate classification (germline): Pathogenic (1 of 4 stars; one submission).

Conditions:
Severe combined immunodeficiency due to DCLRE1C deficiency (RS-SCID). Also called: SCID, AUTOSOMAL RECESSIVE, T CELL-NEGATIVE, B CELL-NEGATIVE, NK CELL-POSITIVE, WITH SENSITIVITY TO IONIZING RADIATION. Identifiers: Orphanet 275, MedGen C1865371, MONDO:0011225, OMIM 602450.

Submission:

Labcorp Genetics (formerly Invitae), Labcorp
Classification: Pathogenic for Athabaskan severe combined immunodeficiency. Last evaluated: 2021-01-12. Review status: criteria provided, single submitter. Criteria: Invitae Variant Classification Sherloc (09022015). Collection method: clinical testing. Allele origin: germline.
Comment: This sequence change creates a premature translational stop signal (p.Trp489*) in the DCLRE1C gene. While this is not anticipated to result in nonsense mediated decay, it is expected to disrupt the last 204 amino acid(s) of the DCLRE1C protein. This variant is not present in population databases (ExAC no frequency). This variant has not been reported in the literature in individuals with DCLRE1C-related conditions. This variant disrupts the C-terminus of the DCLRE1C protein. Other variant(s) that disrupt this region (p.Thr557Asnfs*21) have been determined to be pathogenic (PMID: 26476407). This suggests that variants that disrupt this region of the protein are likely to be causative of disease. For these reasons, this variant has been classified as Pathogenic.

Literature cited by the submitters: PubMed 26476407.

NM_001033855.3(DCLRE1C):c.1467G>A (p.Trp489Ter)

Gene: DCLRE1C (DNA cross-link repair 1C; minus strand). Cytogenetic location: 10p13.
Variant type: single nucleotide variant.
Coding change: c.1467G>A on transcript NM_001033855.3 (MANE Select); coding-DNA position 1467, G replaced by A.
Protein change: p.Trp489Ter; replaces tryptophan 489 with a stop codon.
Molecular consequence: nonsense. On other transcripts: non-coding transcript variant (4).
Genome position (GRCh38, 1-based): chr10:14,909,020, C>T on the plus strand (G>A on the coding strand, the complement: DCLRE1C is on the minus strand). VCF-style: chr10-14909020-C-T. GRCh37 (hg19) VCF-style: chr10-14951019-C-T.
Other names: c.1107G>A, p.Trp369Ter (NM_001033857.3, NM_001033858.3, NM_001289077.2 and 2 more transcripts); c.1122G>A, p.Trp374Ter (NM_001289076.2, NM_001289078.2, NM_001350966.2 and 1 more transcripts); c.1467G>A, p.Trp489Ter (NM_001350965.2); short protein forms W369*, W374*, W489*.
Identifiers: ClinVar variation 1375314 (VCV001375314.8), dbSNP rs2131776422, ClinGen allele CA376075535.